The following is an entry in ClinVar:

NM_016222.4(DDX41):c.79G>C (p.Asp27His)

Gene: DDX41 (DEAD-box helicase 41; minus strand). Cytogenetic location: 5q35.3.
Variant type: single nucleotide variant.
Coding change: c.79G>C on transcript NM_016222.4 (MANE Select); coding-DNA position 79, G replaced by C.
Protein change: p.Asp27His; replaces aspartic acid 27 with histidine.
Molecular consequence: missense variant. On other transcripts: 5 prime UTR variant (2).
Genome position (GRCh38, 1-based): chr5:177,516,784, C>G on the plus strand (G>C on the coding strand, the complement: DDX41 is on the minus strand). VCF-style: chr5-177516784-C-G. GRCh37 (hg19) VCF-style: chr5-176943785-C-G.
Other names: c.-577G>C (NM_001321732.2); c.-369G>C (NM_001321830.2); short protein forms D27H.
Identifiers: ClinVar variation 4617188 (VCV004617188.1).

ClinVar aggregate classification (germline): Uncertain significance (1 of 4 stars; one submission).

Conditions:
Inborn genetic diseases. Identifiers: MedGen C0950123, MeSH D030342.

Submission:

Ambry Genetics
Classification: Uncertain significance for Inborn genetic diseases. Last evaluated: 2025-11-10. Review status: criteria provided, single submitter. Criteria: Ambry Variant Classification Scheme 2023. Collection method: clinical testing. Allele origin: germline.
Comment: The p.D27H variant (also known as c.79G>C), located in coding exon 2 of the DDX41 gene, results from a G to C substitution at nucleotide position 79. The aspartic acid at codon 27 is replaced by histidine, an amino acid with similar properties. This amino acid position is conserved. In addition, this alteration is predicted to be tolerated by in silico analysis. Based on the available evidence, the clinical significance of this variant remains unclear.